The following is an entry in ClinVar:

NM_001267550.2(TTN):c.40976T>A (p.Leu13659Ter)

Gene: TTN (titin; minus strand). Cytogenetic location: 2q31.2.
Variant type: single nucleotide variant.
Coding change: c.40976T>A on transcript NM_001267550.2 (MANE Select); coding-DNA position 40976, T replaced by A.
Protein change: p.Leu13659Ter; replaces leucine 13659 with a stop codon.
Molecular consequence: nonsense.
Genome position (GRCh38, 1-based): chr2:178,636,751, A>T on the plus strand (T>A on the coding strand, the complement: TTN is on the minus strand). VCF-style: chr2-178636751-A-T. GRCh37 (hg19) VCF-style: chr2-179501478-A-T.
Other names: p.L12018*:TTA>TAA; c.36053T>A, p.Leu12018Ter (NM_001256850.1); c.13781T>A, p.Leu4594Ter (NM_003319.4); c.33272T>A, p.Leu11091Ter (NM_133378.4); c.14156T>A, p.Leu4719Ter (NM_133432.3); c.14357T>A, p.Leu4786Ter (NM_133437.4); short protein forms L12018*, L13659*, L11091*, L4594*, L4719*, L4786*.
Identifiers: ClinVar variation 202516 (VCV000202516.4), dbSNP rs794729379, ClinGen allele CA309485.

ClinVar aggregate classification (germline): Uncertain significance (1 of 4 stars; one submission).

Submission:

GeneDx
Classification: Uncertain significance. Last evaluated: 2014-09-03. Review status: criteria provided, single submitter. Criteria: GeneDx Variant Classification (06012015). Collection method: clinical testing. Allele origin: germline. Affected: yes.
Comment: p.Leu12018Ter (TTA>TAA): c.36053 T>A in exon 175 of the TTN gene (NM_001256850.1) The L12018X variant in the TTN gene has not been reported as a disease-causing mutation or as a benign polymorphism to our knowledge. The L12018X variant was not observed in approximately 6,000 individuals of European and African American ancestry in the NHLBI Exome Sequencing Project, indicating it is not a common benign variant in these populations. Additionally, L12018X is predicted to cause loss of normal protein function either by protein truncation or nonsense-mediated mRNA decay. However, this variant is not located in the A-band region of titin, where the majority of mutations associated with DCM have been reported (Herman D et al., 2012). Other truncating TTN variants have been reported in approximately 3% of control alleles (Herman D et al., 2012). Therefore, based on the currently available information, it is unclear whether this variant is a pathogenic mutation or a rare benign variant. The variant is found in CARDIOMYOPATHY panel(s).